The following is an entry in ClinVar:

NM_005477.3(HCN4):c.1834C>T (p.Arg612Cys)

Gene: HCN4 (hyperpolarization activated cyclic nucleotide gated potassium channel 4; minus strand). Cytogenetic location: 15q24.1.
Variant type: single nucleotide variant.
Coding change: c.1834C>T on transcript NM_005477.3 (MANE Select); coding-DNA position 1834, C replaced by T.
Protein change: p.Arg612Cys; replaces arginine 612 with cysteine.
Molecular consequence: missense variant.
Genome position (GRCh38, 1-based): chr15:73,325,099, G>A on the plus strand (C>T on the coding strand, the complement: HCN4 is on the minus strand). VCF-style: chr15-73325099-G-A. GRCh37 (hg19) VCF-style: chr15-73617440-G-A.
Other names: short protein forms R612C.
Identifiers: ClinVar variation 1781016 (VCV001781016.7), dbSNP rs748496969, ClinGen allele CA7649179.
Genomic context (GRCh38, chr15:73,325,099, plus strand): 5'-TCTTCTTGCCAATGGTGCCTTCCCGGATGATGTAGTCCCCAGGCTGGAAGACCTCGAAAC[G>A]CAGCTTGGTCAGCATGGACGTCACGAAGTTGGGGTCCGCATTGGCAAACAGTGGCATGGA-3'
Protein context (NP_005468.1, residues 602-622): NFVTSMLTKL[Arg612Cys]FEVFQPGDYI

ClinVar aggregate classification (germline): Uncertain significance. Review status: criteria provided, multiple submitters, no conflicts (2 of 4 stars). 2 submissions from 2 submitters: Uncertain significance (2). Last evaluated 2025-10-21.

Conditions:
Cardiovascular phenotype. Identifiers: MedGen CN230736.
Brugada syndrome 8 (BRGDA8). Identifiers: Orphanet 130, MedGen C2751083, MONDO:0013148, OMIM 613123.

Allele frequency attached by ClinVar (database versions not stated): gnomAD exomes below 0.00001; ExAC 0.00001; TOPMed 0.00001; gnomAD 0.00002.
gnomAD v4.1: 9 of 1,614,080 alleles (0.00056%); highest among the groups gnomAD compares: African/African-American, 0.0067%; no homozygotes.

Submissions (2):

Labcorp Genetics (formerly Invitae), Labcorp
Classification: Uncertain significance for Brugada syndrome 8. Last evaluated: 2025-10-21. Review status: criteria provided, single submitter. Criteria: Invitae Variant Classification Sherloc (09022015). Collection method: clinical testing. Allele origin: germline.
Comment: This sequence change replaces arginine, which is basic and polar, with cysteine, which is neutral and slightly polar, at codon 612 of the HCN4 protein (p.Arg612Cys). This variant is present in population databases (rs748496969, gnomAD 0.01%). This variant has not been reported in the literature in individuals affected with HCN4-related conditions. ClinVar contains an entry for this variant (Variation ID: 1781016). Invitae Evidence Modeling of protein sequence and biophysical properties (such as structural, functional, and spatial information, amino acid conservation, physicochemical variation, residue mobility, and thermodynamic stability) has been performed for this missense variant. However, the output from this modeling did not meet the statistical confidence thresholds required to predict the impact of this variant on HCN4 protein function. In summary, the available evidence is currently insufficient to determine the role of this variant in disease. Therefore, it has been classified as a Variant of Uncertain Significance.

Ambry Genetics
Classification: Uncertain significance for Cardiovascular phenotype. Last evaluated: 2021-06-11. Review status: criteria provided, single submitter. Criteria: Ambry Variant Classification Scheme 2023. Collection method: clinical testing. Allele origin: germline.
Comment: The p.R612C variant (also known as c.1834C>T), located in coding exon 6 of the HCN4 gene, results from a C to T substitution at nucleotide position 1834. The arginine at codon 612 is replaced by cysteine, an amino acid with highly dissimilar properties. This amino acid position is not well conserved in available vertebrate species. In addition, this alteration is predicted to be deleterious by in silico analysis. Since supporting evidence is limited at this time, the clinical significance of this alteration remains unclear.